The following is an entry in ClinVar:

NM_002890.3(RASA1):c.1092A>T (p.Leu364Phe)

Genes: CCNH (cyclin H; minus strand), RASA1 (RAS p21 protein activator 1; plus strand). Cytogenetic location: 5q14.3.
Variant type: single nucleotide variant.
Coding change: c.1092A>T on transcript NM_002890.3 (MANE Select); coding-DNA position 1092, A replaced by T.
Protein change: p.Leu364Phe; replaces leucine 364 with phenylalanine.
Molecular consequence: missense variant. On other transcripts: intron variant (1).
Genome position (GRCh38, 1-based): chr5:87,346,714, A>T. VCF-style: chr5-87346714-A-T. GRCh37 (hg19) VCF-style: chr5-86642531-A-T.
Other names: c.561A>T, p.Leu187Phe (NM_022650.3); c.934-33919T>A (NM_001364075.2); short protein forms L187F, L364F.
Identifiers: ClinVar variation 1447136 (VCV001447136.9), dbSNP rs375419221, ClinGen allele CA3335645.

ClinVar aggregate classification (germline): Uncertain significance. Review status: criteria provided, multiple submitters, no conflicts (2 of 4 stars). 2 submissions from 2 submitters: Uncertain significance (2). Last evaluated 2026-04-01.

Conditions:
Cardiovascular phenotype. Identifiers: MedGen CN230736.
Capillary malformation-arteriovenous malformation syndrome. Also called: Capillary malformation-arteriovenous malformation. Identifiers: Orphanet 137667, MedGen C1842180, MONDO:0012016.

Allele frequency attached by ClinVar (database versions not stated): gnomAD exomes below 0.00001.
gnomAD v4.1: 6 of 1,552,168 alleles (0.00039%); highest among the groups gnomAD compares: African/African-American, 0.0014%; no homozygotes.

Submissions (2):

Ambry Genetics
Classification: Uncertain significance for Cardiovascular phenotype. Last evaluated: 2026-04-01. Review status: criteria provided, single submitter. Criteria: Ambry Variant Classification Scheme 2023. Collection method: clinical testing. Allele origin: germline.
Comment: The c.1092A>T (p.L364F) alteration is located in exon 7 (coding exon 7) of the RASA1 gene. This alteration results from a A to T substitution at nucleotide position 1092, causing the leucine (L) at amino acid position 364 to be replaced by a phenylalanine (F). Based on data from gnomAD, the T allele has an overall frequency of <0.001% (1/249702) total alleles studied. The highest observed frequency was 0.001% (1/112882) of European (non-Finnish) alleles. Based on insufficient or conflicting evidence, the clinical significance of this alteration remains unclear.

Labcorp Genetics (formerly Invitae), Labcorp
Classification: Uncertain significance for Capillary malformation-arteriovenous malformation syndrome. Last evaluated: 2024-09-23. Review status: criteria provided, single submitter. Criteria: Invitae Variant Classification Sherloc (09022015). Collection method: clinical testing. Allele origin: germline.
Comment: This sequence change replaces leucine, which is neutral and non-polar, with phenylalanine, which is neutral and non-polar, at codon 364 of the RASA1 protein (p.Leu364Phe). This variant is present in population databases (rs375419221, gnomAD 0.0009%). This variant has not been reported in the literature in individuals affected with RASA1-related conditions. ClinVar contains an entry for this variant (Variation ID: 1447136). An algorithm developed to predict the effect of missense changes on protein structure and function (PolyPhen-2) suggests that this variant is likely to be disruptive. In summary, the available evidence is currently insufficient to determine the role of this variant in disease. Therefore, it has been classified as a Variant of Uncertain Significance.